The following is an entry in ClinVar:

ClinVar aggregate classification (germline): Conflicting classifications of pathogenicity. Review status: criteria provided, conflicting classifications (1 of 4 stars). 2 submissions from 2 submitters: Uncertain significance (1); Likely benign (1). Last evaluated 2018-12-04.

Submissions (2):

GeneDx
Classification: Likely benign. Last evaluated: 2018-12-04. Review status: criteria provided, single submitter. Criteria: GeneDx Variant Classification Process June 2021. Collection method: clinical testing. Allele origin: germline. Affected: yes.
Comment: See Variant Classification Assertion Criteria.

Genetic Services Laboratory, University of Chicago
Classification: Uncertain significance. Last evaluated: 2014-05-20. Review status: criteria provided, single submitter. Criteria: ACMG Guidelines, 2015. Collection method: clinical testing. Allele origin: germline.

NM_018026.4(PACS1):c.95CGC[4] (p.Pro34dup)

Gene: PACS1 (phosphofurin acidic cluster sorting protein 1; plus strand). Cytogenetic location: 11q13.1.
Variant type: Microsatellite.
Coding change: c.95CGC[4] on transcript NM_018026.4 (MANE Select); four copies in a row of the 3-base unit CGC starting at c.95; the reference has three copies in a row; one copy, 3 bases duplicated.
Protein change: p.Pro34dup; duplicates proline 34.
Molecular consequence: inframe insertion.
Genome position (GRCh38, 1-based): chr11:66,070,587-66,070,589, CGC duplicated; duplicating any 3 consecutive bases within chr11:66,070,579-66,070,589 gives the same sequence; the position shown is the placement nearest the transcript's 3' end. VCF-style (leftmost placement, unchanged base first): chr11-66070578-A-AGCC. GRCh37 (hg19) VCF-style: chr11-65838049-A-AGCC.
Identifiers: ClinVar variation 211810 (VCV000211810.8), dbSNP rs1176211628, ClinGen allele CA209357.